The following is an entry in ClinVar:

NM_001130987.2(DYSF):c.4911+4A>C

Gene: DYSF (dysferlin; plus strand). Cytogenetic location: 2p13.2.
Variant type: single nucleotide variant.
Coding change: c.4911+4A>C on transcript NM_001130987.2 (MANE Select); 4 bases into the intron after coding-DNA position 4911, A replaced by C.
Molecular consequence: intron variant.
Genome position (GRCh38, 1-based): chr2:71,659,037, A>C. VCF-style: chr2-71659037-A-C. GRCh37 (hg19) VCF-style: chr2-71886167-A-C.
Other names: c.4887+4A>C (NM_001130979.2); c.4908+4A>C (NM_001130981.2); c.4845+4A>C (NM_001130980.2); c.4857+4A>C (NM_001130978.2); c.4794+4A>C (NM_003494.4); c.4815+4A>C (NM_001130977.2); c.4752+4A>C (NM_001130976.2); c.4890+4A>C (NM_001130982.2); and 5 more.
Identifiers: ClinVar variation 3034978 (VCV003034978.2), dbSNP rs2094829268, ClinGen allele CA2577000656.

ClinVar aggregate classification (germline): Likely benign (0 of 4 stars; one submission).

Conditions:
DYSF-related disorder. Also called: DYSF-related condition; DYSF-related disorders.

Submission:

PreventionGenetics, part of Exact Sciences
Classification: Likely benign for DYSF-related condition. Last evaluated: 2019-12-16. Review status: no assertion criteria provided. Collection method: clinical testing. Allele origin: germline.
Comment: This variant is classified as likely benign based on ACMG/AMP sequence variant interpretation guidelines (Richards et al. 2015 PMID: 25741868, with internal and published modifications).